The following is an entry in ClinVar:

NM_003000.3(SDHB):c.541-3C>T

Gene: SDHB (succinate dehydrogenase complex iron sulfur subunit B; minus strand). Cytogenetic location: 1p36.13.
Variant type: single nucleotide variant.
Coding change: c.541-3C>T on transcript NM_003000.3 (MANE Select); 3 bases into the intron before coding-DNA position 541, C replaced by T.
Molecular consequence: intron variant.
Genome position (GRCh38, 1-based): chr1:17,024,077, G>A on the plus strand (C>T on the coding strand, the complement: SDHB is on the minus strand). VCF-style: chr1-17024077-G-A. GRCh37 (hg19) VCF-style: chr1-17350572-G-A.
Identifiers: ClinVar variation 412465 (VCV000412465.20), dbSNP rs751920183, ClinGen allele CA089659.

ClinVar aggregate classification (germline): Conflicting classifications of pathogenicity. Review status: criteria provided, conflicting classifications (1 of 4 stars). 6 submissions from 5 submitters: Uncertain significance (2); Benign (2); Likely benign (2). Last evaluated 2025-12-23.

Conditions:
Carney-Stratakis syndrome. Also called: PARAGANGLIOMA AND GASTROINTESTINAL STROMAL TUMOR. Identifiers: Orphanet 97286, MedGen C1847319, MONDO:0011740, OMIM 606864.
Pheochromocytoma/paraganglioma syndrome 4. Also called: PARAGANGLIOMA, FAMILIAL MALIGNANT; PARAGANGLIOMAS, HEREDITARY EXTRAADRENAL; PHEOCHROMOCYTOMA, FAMILIAL EXTRAADRENAL; Paragangliomas 4; CAROTID BODY TUMORS AND MULTIPLE EXTRAADRENAL PHEOCHROMOCYTOMAS; SDHB-Related Hereditary Paraganglioma-Pheochromocytoma Syndrome (Paragangliomas 4). Identifiers: Orphanet 29072, MedGen C1861848, MONDO:0007273, OMIM 115310.
Gastrointestinal stromal tumor. Also called: Gastrointestinal stroma tumor; Gastrointestinal stromal tumor, somatic. Identifiers: Orphanet 44890, MedGen C0238198, MeSH D046152, MONDO:0011719, OMIM 606764, HP:0100723.
Pheochromocytoma. Also called: MAX-Related Hereditary Paraganglioma-Pheochromocytoma Syndrome. Identifiers: Orphanet 29072, MedGen C0031511, MONDO:0008233, OMIM 171300, HP:0002666.
Hereditary cancer-predisposing syndrome. Also called: Neoplastic Syndromes, Hereditary; Hereditary Cancer Syndrome; Hereditary neoplastic syndrome; Tumor predisposition. Identifiers: Orphanet 140162, MedGen C0027672, MeSH D009386, MONDO:0015356.
Hereditary pheochromocytoma and paraganglioma. Also called: Hereditary Paraganglioma-Pheochromocytoma Syndromes; Hereditary pheochromocytoma-paraganglioma; Hereditary paragangliomas and pheochromocytomas. Identifiers: Orphanet 29072, MedGen C4274332, MONDO:0017366.

Allele frequency attached by ClinVar (database versions not stated): gnomAD 0.00001; TOPMed 0.00001; gnomAD exomes 0.00003 and 0.00006; ExAC 0.00008.
gnomAD v4.1: 40 of 1,607,536 alleles (0.0025%); highest among the groups gnomAD compares: East Asian, 0.087%; no homozygotes.

Submissions (7):

Labcorp Genetics (formerly Invitae), Labcorp
Classification: Likely benign for Gastrointestinal stromal tumor; Pheochromocytoma/paraganglioma syndrome 4; Pheochromocytoma. Last evaluated: 2025-12-23. Review status: criteria provided, single submitter. Criteria: Invitae Variant Classification Sherloc (09022015). Collection method: clinical testing. Allele origin: germline.

Color Diagnostics, LLC DBA Color Health
Classification: Uncertain significance for Hereditary pheochromocytoma and paraganglioma. Last evaluated: 2024-01-08. Review status: criteria provided, single submitter. Criteria: ACMG Guidelines, 2015. Collection method: clinical testing. Allele origin: germline.
Comment: This variant causes a C to T nucleotide substitution at the -3 position of intron 5 of the SDHB gene. Splice site prediction tools suggest that this variant may not impact RNA splicing. To our knowledge, functional studies have not been reported for this variant. This variant has been reported in an individual affected with head and neck paraganglioma (PMID: 34118692). This variant has been identified in 15/280882 chromosomes in the general population by the Genome Aggregation Database (gnomAD). The available evidence is insufficient to determine the role of this variant in disease conclusively. Therefore, this variant is classified as a Variant of Uncertain Significance.

All of Us Research Program, National Institutes of Health
Classification: Uncertain significance for Hereditary pheochromocytoma and paraganglioma. Last evaluated: 2023-11-10. Review status: criteria provided, single submitter. Criteria: ACMG Guidelines, 2015. Collection method: clinical testing. Allele origin: germline. Inheritance: Autosomal dominant inheritance. Observed: 3 variant alleles, 3 heterozygotes.
Comment: This variant causes a C to T nucleotide substitution at the -3 position of intron 5 of the SDHB gene. Splice site prediction tools suggest that this variant may not impact RNA splicing. To our knowledge, functional studies have not been reported for this variant. This variant has been reported in an individual affected with head and neck paraganglioma (PMID: 34118692). This variant has been identified in 15/280882 chromosomes in the general population by the Genome Aggregation Database (gnomAD). The available evidence is insufficient to determine the role of this variant in disease conclusively. Therefore, this variant is classified as a Variant of Uncertain Significance.

This study involves interpretation of variants in research participants for the purpose of population health screening. Participant phenotype was not available at the time of variant classification. Additional details can be found in publication PMID: 35346344, PMCID: PMC8962531

Ambry Genetics
Classification: Likely benign for Hereditary cancer-predisposing syndrome. Last evaluated: 2022-03-15. Review status: criteria provided, single submitter. Criteria: Ambry Variant Classification Scheme 2023. Collection method: clinical testing. Allele origin: germline.

Illumina Laboratory Services, Illumina
Classification: Benign for Hereditary Paraganglioma-Pheochromocytoma Syndromes. Last evaluated: 2018-01-12. Review status: criteria provided, single submitter. Criteria: ICSL Variant Classification Criteria 13 December 2019. Collection method: clinical testing. Allele origin: germline.
Comment: This variant was observed in the ICSL laboratory as part of a predisposition screen in an ostensibly healthy population. It had not been previously curated by ICSL or reported in the Human Gene Mutation Database (HGMD: prior to June 1st, 2018), and was therefore a candidate for classification through an automated scoring system. Utilizing variant allele frequency, disease prevalence and penetrance estimates, and inheritance mode, an automated score was calculated to assess if this variant is too frequent to cause the disease. Based on the score and internal cut-off values, a variant classified as benign is not then subjected to further curation. The score for this variant resulted in a classification of benign for this disease.

Illumina Laboratory Services, Illumina
Classification: Benign for Carney-Stratakis syndrome. Last evaluated: 2018-01-12. Review status: criteria provided, single submitter. Criteria: ICSL Variant Classification Criteria 13 December 2019. Collection method: clinical testing. Allele origin: germline.
Comment: the same text as in the submission from Illumina Laboratory Services, Illumina above.

Dr. Peter K. Rogan Lab, Western University
No classification provided (evidence only). Condition: Gastric cancer. Review status: no classification provided. Collection method: in vitro. Allele origin: not applicable. Functional consequence: retained intron. Not counted in ClinVar's aggregate classification.

Literature cited by the submitters: PubMed 34118692 (cited by Color Diagnostics, LLC DBA Color Health and All of Us Research Program, National Institutes of Health).